The following is an entry in ClinVar:

NM_001243279.3(ACSF3):c.1095C>T (p.Ser365=)

Genes: ACSF3 (acyl-CoA synthetase family member 3; plus strand), LOC125177393 (P300/CBP strongly-dependent group 1 enhancer GRCh37_chr16:89180375-89181574; plus strand). Cytogenetic location: 16q24.3.
Variant type: single nucleotide variant.
Coding change: c.1095C>T on transcript NM_001243279.3 (MANE Select); coding-DNA position 1095, C replaced by T.
Protein change: p.Ser365=; no amino-acid change (serine 365 retained).
Molecular consequence: synonymous variant. On other transcripts: non-coding transcript variant (2).
Genome position (GRCh38, 1-based): chr16:89,114,456, C>T. VCF-style: chr16-89114456-C-T. GRCh37 (hg19) VCF-style: chr16-89180864-C-T.
Other names: c.1095C>T, p.Ser365= (NM_001127214.4, NM_174917.5); c.300C>T, p.Ser100= (NM_001284316.2).
Identifiers: ClinVar variation 507685 (VCV000507685.10), dbSNP rs148716626, ClinGen allele CA8237962.

ClinVar aggregate classification (germline): Likely benign. Review status: criteria provided, multiple submitters, no conflicts (2 of 4 stars). 2 submissions from 2 submitters: Likely benign (2). Last evaluated 2025-05-12.

Conditions:
Combined malonic and methylmalonic acidemia. Identifiers: Orphanet 289504, MedGen C3280314, MONDO:0013661, OMIM 614265.

Allele frequency attached by ClinVar (database versions not stated): gnomAD 0.00001 and 0.00003; gnomAD exomes 0.00002 and 0.00003; TOPMed 0.00005; ExAC 0.00007; ESP Exome Variant Server 0.00008; 1000 Genomes Project 30x 0.00016; 1000 Genomes Project 0.00020.
gnomAD v4.1: 34 of 1,613,194 alleles (0.0021%); highest among the groups gnomAD compares: South Asian, 0.0077%; no homozygotes.

Submissions (2):

Labcorp Genetics (formerly Invitae), Labcorp
Classification: Likely benign for Combined malonic and methylmalonic acidemia. Last evaluated: 2025-05-12. Review status: criteria provided, single submitter. Criteria: Invitae Variant Classification Sherloc (09022015). Collection method: clinical testing. Allele origin: germline.

GeneDx
Classification: Likely benign. Last evaluated: 2017-03-01. Review status: criteria provided, single submitter. Criteria: GeneDx Variant Classification (06012015). Collection method: clinical testing. Allele origin: germline. Affected: yes.
Comment: This variant is considered likely benign or benign based on one or more of the following criteria: it is a conservative change, it occurs at a poorly conserved position in the protein, it is predicted to be benign by multiple in silico algorithms, and/or has population frequency not consistent with disease.